The following is an entry in ClinVar:

ClinVar aggregate classification (germline): Likely benign. Review status: criteria provided, multiple submitters, no conflicts (2 of 4 stars). 3 submissions from 3 submitters: Likely benign (3). Last evaluated 2024-10-21.

Conditions:
Developmental and epileptic encephalopathy, 14 (DEE14). Also called: Early infantile epileptic encephalopathy 14. Identifiers: Orphanet 293181, MedGen C3554195, MONDO:0013989, OMIM 614959.
Autosomal dominant nocturnal frontal lobe epilepsy 5. Also called: CILIARY DYSKINESIA, PRIMARY, 28, WITHOUT SITUS INVERSUS; CILIARY DYSKINESIA, PRIMARY, 28, WITH SITUS INVERSUS; Epilepsy, nocturnal frontal lobe, 5; KCNT1-Related Epilepsy. Identifiers: Orphanet 98784, MedGen C3554306, MONDO:0014002, OMIM 615005.

Allele frequency attached by ClinVar (database versions not stated): gnomAD exomes 0.00001 and 0.00002; gnomAD 0.00003; TOPMed 0.00004; ExAC 0.00001.
gnomAD v4.1: 15 of 1,611,376 alleles (0.00093%); highest among the groups gnomAD compares: Non-Finnish European, 0.0012%; no homozygotes.

Submissions (3):

Labcorp Genetics (formerly Invitae), Labcorp
Classification: Likely benign for Autosomal dominant nocturnal frontal lobe epilepsy 5; Developmental and epileptic encephalopathy, 14. Last evaluated: 2024-10-21. Review status: criteria provided, single submitter. Criteria: Invitae Variant Classification Sherloc (09022015). Collection method: clinical testing. Allele origin: germline.

Blueprint Genetics
Classification: Likely benign. Last evaluated: 2023-09-13. Review status: criteria provided, single submitter. Criteria: ACMG Guidelines, 2015. Collection method: clinical testing. Allele origin: germline.

CeGaT Center for Human Genetics Tuebingen
Classification: Likely benign. Last evaluated: 2022-05-01. Review status: criteria provided, single submitter. Criteria: CeGaT Center For Human Genetics Tuebingen Variant Classification Criteria Version 2. Collection method: clinical testing. Allele origin: germline. Affected: yes. Observed: 1 variant allele.
Comment: KCNT1: BP4, BP7

NM_020822.3(KCNT1):c.60G>A (p.Gly20=)

Gene: KCNT1 (potassium sodium-activated channel subfamily T member 1; plus strand). Cytogenetic location: 9q34.3.
Variant type: single nucleotide variant.
Coding change: c.60G>A on transcript NM_020822.3 (MANE Select); coding-DNA position 60, G replaced by A.
Protein change: p.Gly20=; no amino-acid change (glycine 20 retained).
Molecular consequence: synonymous variant.
Genome position (GRCh38, 1-based): chr9:135,702,318, G>A. VCF-style: chr9-135702318-G-A. GRCh37 (hg19) VCF-style: chr9-138594164-G-A.
Other names: c.60G>A, p.Gly20= (NM_001272003.2).
Identifiers: ClinVar variation 698057 (VCV000698057.34), dbSNP rs777349172, ClinGen allele CA5326237.